The following is an entry in ClinVar:

ClinVar aggregate classification (germline): Uncertain significance (1 of 4 stars; one submission).

Conditions:
Nemaline myopathy 2 (NEM2). Also called: Nemaline myopathy 2, autosomal recessive. Identifiers: MedGen C1850569, MONDO:0009725, OMIM 256030.

Submission:

Labcorp Genetics (formerly Invitae), Labcorp
Classification: Uncertain significance for Nemaline myopathy 2. Last evaluated: 2017-08-27. Review status: criteria provided, single submitter. Criteria: Invitae Variant Classification Sherloc (09022015). Collection method: clinical testing. Allele origin: germline.
Comment: This sequence change replaces glutamine with leucine at codon 6609 of the NEB protein (p.Gln6609Leu). The glutamine residue is moderately conserved and there is a moderate physicochemical difference between glutamine and leucine. This variant is not present in population databases (ExAC no frequency). This variant has not been reported in the literature in individuals with NEB-related disease. Algorithms developed to predict the effect of missense changes on protein structure and function do not agree on the potential impact of this missense change (SIFT: "Deleterious"; PolyPhen-2: "Unavailable"; Align-GVGD: "Class C0"). In summary, the available evidence is currently insufficient to determine the role of this variant in disease. Therefore, it has been classified as a Variant of Uncertain Significance.

NM_001164508.2(NEB):c.19826A>T (p.Gln6609Leu)

Gene: NEB (nebulin; minus strand). Cytogenetic location: 2q23.3.
Variant type: single nucleotide variant.
Coding change: c.19826A>T on transcript NM_001164508.2 (MANE Select); coding-DNA position 19826, A replaced by T.
Protein change: p.Gln6609Leu; replaces glutamine 6609 with leucine.
Molecular consequence: missense variant.
Genome position (GRCh38, 1-based): chr2:151,552,682, T>A on the plus strand (A>T on the coding strand, the complement: NEB is on the minus strand). VCF-style: chr2-151552682-T-A. GRCh37 (hg19) VCF-style: chr2-152409196-T-A.
Other names: c.19826A>T, p.Gln6609Leu (NM_001164507.2, NM_001271208.2); c.14723A>T, p.Gln4908Leu (NM_004543.5); short protein forms Q6609L, Q4908L.
Identifiers: ClinVar variation 465527 (VCV000465527.8), dbSNP rs1553730155, ClinGen allele CA348787561.